The following is an entry in ClinVar:

NM_000264.5(PTCH1):c.1660A>C (p.Ser554Arg)

Gene: PTCH1 (patched 1; minus strand). Cytogenetic location: 9q22.32.
Variant type: single nucleotide variant.
Coding change: c.1660A>C on transcript NM_000264.5 (MANE Select); coding-DNA position 1660, A replaced by C.
Protein change: p.Ser554Arg; replaces serine 554 with arginine.
Molecular consequence: missense variant. On other transcripts: non-coding transcript variant (1).
Genome position (GRCh38, 1-based): chr9:95,476,102, T>G on the plus strand (A>C on the coding strand, the complement: PTCH1 is on the minus strand). VCF-style: chr9-95476102-T-G. GRCh37 (hg19) VCF-style: chr9-98238384-T-G.
Other names: c.1462A>C, p.Ser488Arg (NM_001083602.3); c.1657A>C, p.Ser553Arg (NM_001083603.3); c.1207A>C, p.Ser403Arg (NM_001083604.3, NM_001083605.3, NM_001083606.3 and 1 more transcripts); c.1504A>C, p.Ser502Arg (NM_001354918.2); short protein forms S403R, S488R, S502R, S553R, S554R.
Identifiers: ClinVar variation 1066507 (VCV001066507.10), dbSNP rs1060502282, ClinGen allele CA374118014.

ClinVar aggregate classification (germline): Likely pathogenic. Review status: criteria provided, multiple submitters, no conflicts (2 of 4 stars). 2 submissions from 2 submitters: Likely pathogenic (2). Last evaluated 2024-10-11.

Conditions:
Gorlin syndrome. Also called: Nevoid Basal Cell Carcinoma Syndrome; Basal cell nevus syndrome. Identifiers: Orphanet 377, MedGen C0004779, MONDO:0007187.

Submissions (2):

Division of Genetic & Genomic Pathology, Hong Kong Children's Hospital
Classification: Likely pathogenic for Gorlin syndrome. Last evaluated: 2024-10-11. Review status: criteria provided, single submitter. Criteria: ACMG Guidelines, 2015. Collection method: clinical testing. Allele origin: germline. Affected: yes.
Comment: The missense variant PTCH1 c.1660A>C p.(Ser554Arg) is located in exon 12 of the gene. This variant is absent in population databases (gnomAD v2.1.1 non-cancer and gnomAD V4.1.0). It has a REVEL score of 0.92, which is predicted be moderately deleterious. This variant has been reported in multiple patients with Gorlin syndrome (PMIDs: 15565302, 28596197), and is classified as likely pathogenic by one submitter in ClinVar (Accession: VCV001066507.7). For these reasons, this variant is classified as likely pathogenic.

Labcorp Genetics (formerly Invitae), Labcorp
Classification: Likely pathogenic for Gorlin syndrome. Last evaluated: 2020-07-09. Review status: criteria provided, single submitter. Criteria: Invitae Variant Classification Sherloc (09022015). Collection method: clinical testing. Allele origin: germline.
Comment: This sequence change replaces serine with arginine at codon 554 of the PTCH1 protein (p.Ser554Arg). The serine residue is moderately conserved and there is a moderate physicochemical difference between serine and arginine. This variant is not present in population databases (ExAC no frequency). This variant has been observed in individual(s) with basal cell nevus syndrome (PMID: 15565302, 28596197, Invitae). It has also been observed to segregate with disease in related individuals. Algorithms developed to predict the effect of missense changes on protein structure and function are either unavailable or do not agree on the potential impact of this missense change (SIFT: "Tolerated"; PolyPhen-2: "Probably Damaging"; Align-GVGD: "Class C0"). In summary, the currently available evidence indicates that the variant is pathogenic, but additional data are needed to prove that conclusively. Therefore, this variant has been classified as Likely Pathogenic.

Literature cited by the submitters: PubMed 15565302 (cited by Division of Genetic & Genomic Pathology, Hong Kong Children's Hospital and Labcorp Genetics (formerly Invitae), Labcorp); PubMed 28596197 (cited by Division of Genetic & Genomic Pathology, Hong Kong Children's Hospital and Labcorp Genetics (formerly Invitae), Labcorp).